The following is an entry in ClinVar:

ClinVar aggregate classification (germline): Likely pathogenic (1 of 4 stars; one submission).

Conditions:
Dyskeratosis congenita, autosomal dominant 2. Identifiers: MedGen C3151443, MONDO:0013521, OMIM 613989.
Idiopathic Pulmonary Fibrosis. Also called: Idiopathic fibrosing alveolitis, chronic form; idiopathic fibrosing alveolitis. Identifiers: Orphanet 2032, MedGen C1800706, MeSH D054990, MONDO:0800504.

Submission:

Labcorp Genetics (formerly Invitae), Labcorp
Classification: Likely pathogenic for Dyskeratosis congenita, autosomal dominant 2; Idiopathic Pulmonary Fibrosis. Last evaluated: 2024-08-05. Review status: criteria provided, single submitter. Criteria: Invitae Variant Classification Sherloc (09022015). Collection method: clinical testing. Allele origin: germline.
Comment: This sequence change affects a donor splice site in intron 7 of the TERT gene. It is expected to disrupt RNA splicing. Variants that disrupt the donor or acceptor splice site typically lead to a loss of protein function (PMID: 16199547), and loss-of-function variants in TERT are known to be pathogenic (PMID: 16247010, 17460043). This variant is not present in population databases (gnomAD no frequency). This variant has not been reported in the literature in individuals affected with TERT-related conditions. ClinVar contains an entry for this variant (Variation ID: 834313). Algorithms developed to predict the effect of sequence changes on RNA splicing suggest that this variant may disrupt the consensus splice site. In summary, the currently available evidence indicates that the variant is pathogenic, but additional data are needed to prove that conclusively. Therefore, this variant has been classified as Likely Pathogenic.

Literature cited by the submitters: PubMed 16199547; PubMed 16247010; PubMed 17460043.

NM_198253.3(TERT):c.2382+1G>C

Gene: TERT (telomerase reverse transcriptase; minus strand). Cytogenetic location: 5p15.33.
Variant type: single nucleotide variant.
Coding change: c.2382+1G>C on transcript NM_198253.3 (MANE Select); the canonical splice donor site of the intron after coding-DNA position 2382, G replaced by C.
Molecular consequence: splice donor variant.
Genome position (GRCh38, 1-based): chr5:1,272,184, C>G on the plus strand (G>C on the coding strand, the complement: TERT is on the minus strand). VCF-style: chr5-1272184-C-G. GRCh37 (hg19) VCF-style: chr5-1272299-C-G.
Other names: c.2382+1G>C (NM_001193376.3).
Identifiers: ClinVar variation 834313 (VCV000834313.8), dbSNP rs1749089374, ClinGen allele CA359076174.